The following is an entry in ClinVar:

ClinVar aggregate classification (germline): Conflicting classifications of pathogenicity. Review status: criteria provided, conflicting classifications (1 of 4 stars). 3 submissions from 3 submitters: Uncertain significance (1); Likely benign (2). Last evaluated 2022-01-11.

Conditions:
Distal hereditary motor neuropathy type 2. Identifiers: Orphanet 139525, MedGen C3711384, MeSH C580044, MONDO:0015352.

Allele frequency attached by ClinVar (database versions not stated): gnomAD 0.00001; TOPMed 0.00002; 1000 Genomes Project 30x 0.00031; 1000 Genomes Project 0.00040.
gnomAD v4.1: 14 of 1,607,606 alleles (0.00087%); highest among the groups gnomAD compares: East Asian, 0.0067%; no homozygotes.

Submissions (3):

Ambry Genetics
Classification: Likely benign. Last evaluated: 2022-01-11. Review status: criteria provided, single submitter. Criteria: Ambry Variant Classification Scheme 2023. Collection method: clinical testing. Allele origin: germline.

Labcorp Genetics (formerly Invitae), Labcorp
Classification: Uncertain significance for Distal hereditary motor neuropathy type 2. Last evaluated: 2021-06-30. Review status: criteria provided, single submitter. Criteria: Invitae Variant Classification Sherloc (09022015). Collection method: clinical testing. Allele origin: germline.
Comment: This sequence change falls in intron 18 of the FBXO38 gene. It does not directly change the encoded amino acid sequence of the FBXO38 protein. It affects a nucleotide within the consensus splice site of the intron. This variant is present in population databases (rs146510581, ExAC 0.02%). This variant has not been reported in the literature in individuals affected with FBXO38-related conditions. ClinVar contains an entry for this variant (Variation ID: 511006). Nucleotide substitutions within the consensus splice site are a relatively common cause of aberrant splicing (PMID: 17576681, 9536098). Algorithms developed to predict the effect of sequence changes on RNA splicing suggest that this variant may disrupt the consensus splice site. In summary, the available evidence is currently insufficient to determine the role of this variant in disease. Therefore, it has been classified as a Variant of Uncertain Significance.

GeneDx
Classification: Likely benign. Last evaluated: 2017-07-25. Review status: criteria provided, single submitter. Criteria: GeneDx Variant Classification (06012015). Collection method: clinical testing. Allele origin: germline. Affected: yes.
Comment: This variant is considered likely benign or benign based on one or more of the following criteria: it is a conservative change, it occurs at a poorly conserved position in the protein, it is predicted to be benign by multiple in silico algorithms, and/or has population frequency not consistent with disease.

Literature cited by the submitters: PubMed 17576681 (cited by Labcorp Genetics (formerly Invitae), Labcorp); PubMed 9536098 (cited by Labcorp Genetics (formerly Invitae), Labcorp).

NM_205836.3(FBXO38):c.3024+6G>A

Gene: FBXO38 (F-box protein 38; plus strand). Cytogenetic location: 5q32.
Variant type: single nucleotide variant.
Coding change: c.3024+6G>A on transcript NM_205836.3 (MANE Select); 6 bases into the intron after coding-DNA position 3024, G replaced by A.
Molecular consequence: intron variant.
Genome position (GRCh38, 1-based): chr5:148,438,504, G>A. VCF-style: chr5-148438504-G-A. GRCh37 (hg19) VCF-style: chr5-147818067-G-A.
Other names: c.2799+6G>A (NM_030793.5); c.2289+6G>A (NM_001271723.2).
Identifiers: ClinVar variation 511006 (VCV000511006.9), dbSNP rs146510581, ClinGen allele CA3497645.